The following is an entry in ClinVar:

NM_004304.5(ALK):c.4109C>G (p.Pro1370Arg)

Gene: ALK (ALK receptor tyrosine kinase; minus strand). Cytogenetic location: 2p23.2.
Variant type: single nucleotide variant.
Coding change: c.4109C>G on transcript NM_004304.5 (MANE Select); coding-DNA position 4109, C replaced by G.
Protein change: p.Pro1370Arg; replaces proline 1370 with arginine.
Molecular consequence: missense variant.
Genome position (GRCh38, 1-based): chr2:29,196,825, G>C on the plus strand (C>G on the coding strand, the complement: ALK is on the minus strand). VCF-style: chr2-29196825-G-C. GRCh37 (hg19) VCF-style: chr2-29419691-G-C.
Other names: c.4109C>G (NM_004304.4); c.905C>G, p.Pro302Arg (NM_001353765.2); short protein forms P1370R, P302R.
Identifiers: ClinVar variation 1003664 (VCV001003664.9), dbSNP rs748027591, ClinGen allele CA1593665.

ClinVar aggregate classification (germline): Uncertain significance. Review status: criteria provided, multiple submitters, no conflicts (2 of 4 stars). 2 submissions from 2 submitters: Uncertain significance (2). Last evaluated 2024-05-01.

Conditions:
Neuroblastoma, susceptibility to, 3. Also called: ALK-Related Neuroblastic Tumor Susceptibility. Identifiers: Orphanet 635, MedGen C2751681, MONDO:0013083, OMIM 613014.
Hereditary cancer-predisposing syndrome. Also called: Hereditary neoplastic syndrome; Neoplastic Syndromes, Hereditary; Tumor predisposition; Hereditary Cancer Syndrome. Identifiers: Orphanet 140162, MedGen C0027672, MeSH D009386, MONDO:0015356.

Allele frequency attached by ClinVar (database versions not stated): gnomAD exomes below 0.00001; ExAC 0.00001.
gnomAD v4.1: 2 of 1,614,130 alleles (0.00012%); highest among the groups gnomAD compares: Non-Finnish European, 0.00017%; no homozygotes.

Submissions (2):

Ambry Genetics
Classification: Uncertain significance for Hereditary cancer-predisposing syndrome. Last evaluated: 2024-05-01. Review status: criteria provided, single submitter. Criteria: Ambry Variant Classification Scheme 2023. Collection method: clinical testing. Allele origin: germline.
Comment: The p.P1370R variant (also known as c.4109C>G), located in coding exon 28 of the ALK gene, results from a C to G substitution at nucleotide position 4109. The proline at codon 1370 is replaced by arginine, an amino acid with dissimilar properties. This amino acid position is highly conserved in available vertebrate species. In addition, this alteration is predicted to be deleterious by in silico analysis. Based on the available evidence, the clinical significance of this variant remains unclear.

Labcorp Genetics (formerly Invitae), Labcorp
Classification: Uncertain significance for Neuroblastoma, susceptibility to, 3. Last evaluated: 2024-02-15. Review status: criteria provided, single submitter. Criteria: Invitae Variant Classification Sherloc (09022015). Collection method: clinical testing. Allele origin: germline.
Comment: This sequence change replaces proline, which is neutral and non-polar, with arginine, which is basic and polar, at codon 1370 of the ALK protein (p.Pro1370Arg). This variant is present in population databases (rs748027591, gnomAD 0.0009%). This variant has not been reported in the literature in individuals affected with ALK-related conditions. ClinVar contains an entry for this variant (Variation ID: 1003664). An algorithm developed to predict the effect of missense changes on protein structure and function (PolyPhen-2) suggests that this variant is likely to be disruptive. In summary, the available evidence is currently insufficient to determine the role of this variant in disease. Therefore, it has been classified as a Variant of Uncertain Significance.